The following is an entry in ClinVar:

NM_001903.5(CTNNA1):c.66dup (p.Leu23fs)

Gene: CTNNA1 (catenin alpha 1; plus strand). Cytogenetic location: 5q31.2.
Variant type: Duplication.
Coding change: c.66dup on transcript NM_001903.5 (MANE Select); coding-DNA position 66, one base duplicated (T; older notation c.66dupT).
Protein change: p.Leu23fs; shifts the reading frame from leucine 23.
Molecular consequence: frameshift variant. On other transcripts: 5 prime UTR variant (2).
Genome position (GRCh38, 1-based): chr5:138,781,990, T duplicated. VCF-style (leftmost placement, unchanged base first): chr5-138781989-C-CT. GRCh37 (hg19) VCF-style: chr5-138117678-C-CT.
Other names: c.66dup, p.Leu23fs (NM_001290307.3, NM_001323982.2, NM_001323983.1 and 3 more transcripts); c.-48dup (NM_001290309.3); c.-141dup (NM_001290310.3); short protein forms L23fs.
Identifiers: ClinVar variation 3642703 (VCV003642703.2).

ClinVar aggregate classification (germline): Pathogenic (1 of 4 stars; one submission).

Submission:

Labcorp Genetics (formerly Invitae), Labcorp
Classification: Pathogenic. Last evaluated: 2024-02-23. Review status: criteria provided, single submitter. Criteria: Invitae Variant Classification Sherloc (09022015). Collection method: clinical testing. Allele origin: germline.
Comment: This sequence change creates a premature translational stop signal (p.Leu23Serfs*4) in the CTNNA1 gene. It is expected to result in an absent or disrupted protein product. Loss-of-function variants in CTNNA1 are known to be pathogenic (PMID: 32051609, 34425242). This variant is not present in population databases (gnomAD no frequency). This variant has not been reported in the literature in individuals affected with CTNNA1-related conditions. For these reasons, this variant has been classified as Pathogenic.

Literature cited by the submitters: PubMed 32051609; PubMed 34425242.